The following is an entry in ClinVar:

ClinVar aggregate classification (germline): Uncertain significance. Review status: criteria provided, multiple submitters, no conflicts (2 of 4 stars). 2 submissions from 2 submitters: Uncertain significance (2). Last evaluated 2025-11-17.

Conditions:
Hereditary cancer-predisposing syndrome. Also called: Tumor predisposition; Hereditary neoplastic syndrome; Hereditary Cancer Syndrome; Neoplastic Syndromes, Hereditary. Identifiers: Orphanet 140162, MedGen C0027672, MeSH D009386, MONDO:0015356.
Cardiovascular phenotype. Identifiers: MedGen CN230736.

gnomAD v4.1: 4 of 1,559,770 alleles (0.00026%); highest among the groups gnomAD compares: Non-Finnish European, 0.00035%; no homozygotes.

Submissions (2):

Ambry Genetics
Classification: Uncertain significance for Cardiovascular phenotype; Hereditary cancer-predisposing syndrome. Last evaluated: 2025-11-17. Review status: criteria provided, single submitter. Criteria: Ambry Variant Classification Scheme 2023. Collection method: clinical testing. Allele origin: germline.
Comment: The p.G8R variant (also known as c.22G>A), located in coding exon 1 of the LZTR1 gene, results from a G to A substitution at nucleotide position 22. The glycine at codon 8 is replaced by arginine, an amino acid with dissimilar properties. This amino acid position is conserved. In addition, this alteration is predicted to be tolerated by in silico analysis. Since supporting evidence is limited at this time, the clinical significance of this alteration remains unclear.

Labcorp Genetics (formerly Invitae), Labcorp
Classification: Uncertain significance. Last evaluated: 2024-08-08. Review status: criteria provided, single submitter. Criteria: Invitae Variant Classification Sherloc (09022015). Collection method: clinical testing. Allele origin: germline.
Comment: This sequence change replaces glycine, which is neutral and non-polar, with arginine, which is basic and polar, at codon 8 of the LZTR1 protein (p.Gly8Arg). This variant is not present in population databases (gnomAD no frequency). This variant has not been reported in the literature in individuals affected with LZTR1-related conditions. ClinVar contains an entry for this variant (Variation ID: 2149130). Advanced modeling of protein sequence and biophysical properties (such as structural, functional, and spatial information, amino acid conservation, physicochemical variation, residue mobility, and thermodynamic stability) performed at Invitae indicates that this missense variant is not expected to disrupt LZTR1 protein function with a negative predictive value of 95%. In summary, the available evidence is currently insufficient to determine the role of this variant in disease. Therefore, it has been classified as a Variant of Uncertain Significance.

NM_006767.4(LZTR1):c.22G>A (p.Gly8Arg)

Genes: LZTR1 (leucine zipper like post translational regulator 1; plus strand), LOC130067016 (ATAC-STARR-seq lymphoblastoid silent region 13504; plus strand). Cytogenetic location: 22q11.21.
Variant type: single nucleotide variant.
Coding change: c.22G>A on transcript NM_006767.4 (MANE Select); coding-DNA position 22, G replaced by A.
Protein change: p.Gly8Arg; replaces glycine 8 with arginine.
Molecular consequence: missense variant.
Genome position (GRCh38, 1-based): chr22:20,982,393, G>A. VCF-style: chr22-20982393-G-A. GRCh37 (hg19) VCF-style: chr22-21336682-G-A.
Other names: c.22G>A (NM_006767.3); short protein forms G8R.
Identifiers: ClinVar variation 2149130 (VCV002149130.5), dbSNP rs575193991, ClinGen allele CA410777450.